The following is an entry in ClinVar:

NM_002076.4(GNS):c.1199del (p.Ile399_Leu400insTer)

Gene: GNS (glucosamine (N-acetyl)-6-sulfatase; minus strand). Cytogenetic location: 12q14.3.
Variant type: Deletion.
Coding change: c.1199del on transcript NM_002076.4 (MANE Select); coding-DNA position 1199, one base deleted (T; older notation c.1199delT).
Protein change: p.Ile399_Leu400insTer.
Molecular consequence: nonsense.
Genome position (GRCh38, 1-based): chr12:64,728,957, A deleted on the plus strand (T on the coding strand, the reverse complement: GNS is on the minus strand); the first of 4 consecutive A bases (chr12:64,728,957-64,728,960); deleting any one gives the same sequence. VCF-style (leftmost placement, unchanged base first): chr12-64728956-CA-C. GRCh37 (hg19) VCF-style: chr12-65122736-CA-C.
Identifiers: ClinVar variation 960791 (VCV000960791.7), dbSNP rs1869297835, ClinGen allele CA1139662776.

ClinVar aggregate classification (germline): Pathogenic (1 of 4 stars; one submission).

Conditions:
Mucopolysaccharidosis, MPS-III-D (MPS3D). Also called: MPS IIID (Sanfilippo Syndrome Type D); MUCOPOLYSACCHARIDOSIS, TYPE IIID; N-ACETYLGLUCOSAMINE-6-SULFATASE DEFICIENCY; SANFILIPPO SYNDROME D; MPS III D; Mucopoly-saccharidosis type 3D. Identifiers: Orphanet 581, Orphanet 79272, MedGen C0086650, MONDO:0009658, OMIM 252940.

Submission:

Labcorp Genetics (formerly Invitae), Labcorp
Classification: Pathogenic for Mucopolysaccharidosis, MPS-III-D. Last evaluated: 2020-11-03. Review status: criteria provided, single submitter. Criteria: Invitae Variant Classification Sherloc (09022015). Collection method: clinical testing. Allele origin: germline.
Comment: For these reasons, this variant has been classified as Pathogenic. This variant has not been reported in the literature in individuals with GNS-related conditions. ClinVar contains an entry for this variant (Variation ID: 960791). This variant is not present in population databases (ExAC no frequency). This sequence change creates a premature translational stop signal (p.Leu400*) in the GNS gene. It is expected to result in an absent or disrupted protein product. Loss-of-function variants in GNS are known to be pathogenic (PMID: 20232353).

Literature cited by the submitters: PubMed 20232353.